The following is an entry in ClinVar:

NM_000400.4(ERCC2):c.965C>G (p.Ser322Cys)

Gene: ERCC2 (ERCC excision repair 2, TFIIH core complex helicase subunit; minus strand). Cytogenetic location: 19q13.32.
Variant type: single nucleotide variant.
Coding change: c.965C>G on transcript NM_000400.4 (MANE Select); coding-DNA position 965, C replaced by G.
Protein change: p.Ser322Cys; replaces serine 322 with cysteine.
Molecular consequence: missense variant.
Genome position (GRCh38, 1-based): chr19:45,363,896, G>C on the plus strand (C>G on the coding strand, the complement: ERCC2 is on the minus strand). VCF-style: chr19-45363896-G-C. GRCh37 (hg19) VCF-style: chr19-45867154-G-C.
Other names: c.893C>G, p.Ser298Cys (NM_001130867.2); short protein forms S298C, S322C.
Identifiers: ClinVar variation 3231724 (VCV003231724.1), dbSNP rs1383346236, ClinGen allele CA406373105.

ClinVar aggregate classification (germline): Uncertain significance (1 of 4 stars; one submission).

Conditions:
Inborn genetic diseases. Identifiers: MedGen C0950123, MeSH D030342.

Submission:

Ambry Genetics
Classification: Uncertain significance for Inborn genetic diseases. Last evaluated: 2024-01-17. Review status: criteria provided, single submitter. Criteria: Ambry Variant Classification Scheme 2023. Collection method: clinical testing. Allele origin: germline.
Comment: The p.S322C variant (also known as c.965C>G), located in coding exon 11 of the ERCC2 gene, results from a C to G substitution at nucleotide position 965. The serine at codon 322 is replaced by cysteine, an amino acid with dissimilar properties. This amino acid position is conserved. In addition, the in silico prediction for this alteration is inconclusive. Based on the available evidence, the clinical significance of this alteration remains unclear.